The following is an entry in ClinVar:

ClinVar aggregate classification (germline): Benign. Review status: reviewed by expert panel (3 of 4 stars). 23 submissions from 23 submitters: Benign (1). 22 of the submissions do not count toward it. Last evaluated 2019-06-18.

Conditions:
BRCA2-related cancer predisposition. Identifiers: MedGen CN377758, MONDO:0700269.
Hereditary cancer-predisposing syndrome. Also called: Hereditary Cancer Syndrome; Tumor predisposition; Neoplastic Syndromes, Hereditary; Hereditary neoplastic syndrome. Identifiers: Orphanet 140162, MedGen C0027672, MeSH D009386, MONDO:0015356.
Hereditary breast ovarian cancer syndrome. Also called: Breast and ovarian cancer; BRCA1- and BRCA2-Associated Hereditary Breast and Ovarian Cancer; Hereditary breast and ovarian cancer; Hereditary breast and ovarian cancer syndrome (HBOC); Hereditary breast and ovarian cancer syndrome; Hereditary breast and/or ovarian cancer syndrome. Identifiers: Orphanet 145, MedGen C0677776, MeSH D061325, MONDO:0003582. Disease mechanism: loss of function.
Breast-ovarian cancer, familial, susceptibility to, 2 (BROVCA2). Also called: BRCA2 Hereditary Breast and Ovarian Cancer. Identifiers: Orphanet 145, MedGen C2675520, MONDO:0012933, OMIM 612555. Disease mechanism: loss of function.
Malignant tumor of breast. Also called: Malignant breast neoplasm; Cancer breast. Identifiers: MedGen C0006142, MONDO:0007254. Disease mechanism: loss of function.

Allele frequency attached by ClinVar (database versions not stated): gnomAD 0.00170 and 0.00153; TOPMed 0.00173; ESP Exome Variant Server 0.00185; gnomAD exomes 0.00012 and 0.00040; ExAC 0.00049; 1000 Genomes Project 0.00100; 1000 Genomes Project 30x 0.00109.
gnomAD v4.1: 414 of 1,606,000 alleles (0.026%); highest among the groups gnomAD compares: African/African-American, 0.51%; 1 homozygote.

Submissions 1 to 18 of 23:

Evidence-based Network for the Interpretation of Germline Mutant Alleles (ENIGMA)
Classification: Benign for Breast-ovarian cancer, familial, susceptibility to, 2. Last evaluated: 2019-06-18. Review status: reviewed by expert panel. Criteria: ENIGMA BRCA1/2 Classification Criteria (2017-06-29). Collection method: curation. Allele origin: germline.
Comment: Variant allele has low bioinformatic likelihood to encode a missense alteration affecting protein function (Missense prior probability 0.02), AND low bioinformatic likelihood to alter mRNA splicing (splicing prior 0.02), AND minor allele frequency 0.00546 (African), derived from gnomAD v2.1.1 non-cancer (2019-05-13).

Labcorp Genetics (formerly Invitae), Labcorp
Classification: Benign for Hereditary breast ovarian cancer syndrome. Last evaluated: 2026-02-04. Review status: criteria provided, single submitter. Criteria: Invitae Variant Classification Sherloc (09022015). Collection method: clinical testing. Allele origin: germline. Not counted in ClinVar's aggregate classification.

Institute for Biomarker Research, Medical Diagnostic Laboratories, L.L.C.
Classification: Benign for Hereditary breast ovarian cancer syndrome. Last evaluated: 2025-11-13. Review status: criteria provided, single submitter. Criteria: ACMG Guidelines, 2015. Collection method: clinical testing. Allele origin: germline. Not counted in ClinVar's aggregate classification.
Comment: The missense variant NM_000059.4(BRCA2):c.1798T>C (p.Tyr600His) has been reported to ClinVar as Benign with a status of (3 stars) reviewed by expert panel (Accession: VCV000051197.54). The variant is observed in one or more well-documented healthy adults. There is a moderate physicochemical difference between tyrosine and histidine. The gene BRCA2 has a low rate of benign missense variation as indicated by a high missense variants Z-Score of 1.00. The p.Tyr600His variant is not predicted to introduce a novel splice site by any splice site algorithm. The p.Tyr600His missense variant is predicted to be tolerated by both SIFT or PolyPhen2. The nucleotide c.1798 in BRCA2 is not conserved according to a GERP++ and PhyloP analysis of 100 vertebrates. For these reasons, this variant has been classified as Benign.

Dasa
Classification: Benign for Breast-ovarian cancer, familial, susceptibility to, 2. Last evaluated: 2025-10-31. Review status: criteria provided, single submitter. Criteria: DASA Assertion Criteria. Collection method: clinical testing. Allele origin: germline. Not counted in ClinVar's aggregate classification.
Comment: NM_000059.4(BRCA2):c.1798T>C (p.Tyr600His) is a missense variant that results in the substitution of tyrosine with histidine. Population frequency is inconsistent with a disease-causing role for this variant, and observations in unaffected individuals support a benign interpretation. Computational prediction algorithms are consistent with a benign effect. Therefore, based on the currently available evidence, this variant is classified as benign.

Center for Genomic Medicine, Rigshospitalet, Copenhagen University Hospital
Classification: Benign. Last evaluated: 2025-03-04. Review status: criteria provided, single submitter. Criteria: ACMG Guidelines, 2015. Collection method: clinical testing. Allele origin: germline. Not counted in ClinVar's aggregate classification.

CeGaT Center for Human Genetics Tuebingen
Classification: Likely benign. Last evaluated: 2025-02-01. Review status: criteria provided, single submitter. Criteria: CeGaT Center For Human Genetics Tuebingen Variant Classification Criteria Version 2. Collection method: clinical testing. Allele origin: germline. Affected: yes. Observed: 1 variant allele. Not counted in ClinVar's aggregate classification.
Comment: BRCA2: BP4, BS1

Blueprint Genetics
Classification: Likely benign. Last evaluated: 2024-10-28. Review status: criteria provided, single submitter. Criteria: ACMG Guidelines, 2015. Collection method: clinical testing. Allele origin: germline. Not counted in ClinVar's aggregate classification.

All of Us Research Program, National Institutes of Health
Classification: Likely benign for BRCA2-related cancer predisposition. Last evaluated: 2024-09-24. Review status: criteria provided, single submitter. Criteria: ACMG Guidelines, 2015. Collection method: clinical testing. Allele origin: germline. Inheritance: Autosomal dominant inheritance. Observed: 131 variant alleles, 131 heterozygotes. Not counted in ClinVar's aggregate classification.
Comment: This study involves interpretation of variants in research participants for the purpose of population health screening. Participant phenotype was not available at the time of variant classification. Additional details can be found in publication PMID: 35346344, PMCID: PMC8962531

ARUP Laboratories, Molecular Genetics and Genomics, ARUP Laboratories
Classification: Likely benign. Last evaluated: 2024-02-26. Review status: criteria provided, single submitter. Criteria: ARUP Molecular Germline Variant Investigation Process 2024. Collection method: clinical testing. Allele origin: germline. Not counted in ClinVar's aggregate classification.

Sema4
Classification: Likely benign for Hereditary cancer-predisposing syndrome. Last evaluated: 2021-06-15. Review status: criteria provided, single submitter. Criteria: Sema4 Curation Guidelines. Collection method: curation. Allele origin: germline. Not counted in ClinVar's aggregate classification.

GeneDx
Classification: Likely benign. Last evaluated: 2021-05-25. Review status: criteria provided, single submitter. Criteria: GeneDx Variant Classification Process June 2021. Collection method: clinical testing. Allele origin: germline. Affected: yes. Not counted in ClinVar's aggregate classification.
Comment: This variant is associated with the following publications: (PMID: 24728327, 27741520, 22874498, 22034289, 25801821, 27208206, 29668487)

Genetic Services Laboratory, University of Chicago
Classification: Likely benign. Last evaluated: 2017-04-07. Review status: criteria provided, single submitter. Criteria: ACMG Guidelines, 2015. Collection method: clinical testing. Allele origin: germline. Affected: no. Not counted in ClinVar's aggregate classification.

Women's Health and Genetics/Laboratory Corporation of America, LabCorp
Classification: Benign. Last evaluated: 2016-10-05. Review status: criteria provided, single submitter. Criteria: LabCorp Variant Classification Summary - May 2015. Collection method: clinical testing. Allele origin: germline. Not counted in ClinVar's aggregate classification.
Comment: Variant summary: The BRCA2 c.1798T>C (p.Tyr600His) variant involves the alteration of a non-conserved nucleotide. 4/5 in silico tools predict a benign outcome for this variant. This variant was found in 58/118492 control chromosomes, predominantly observed in the African subpopulation at a frequency of 0.0058115 (56/9636). This frequency is about 8 times the estimated maximal expected allele frequency of a pathogenic BRCA2 variant (0.0007503), evidence that this is a benign polymorphism found primarily in the populations of African origin. The variant was reported to co-occur with a pathogenic BRCA2 variant (p.Lys944X, UMD), another evidence of the benign nature of this variant. In addition, multiple clinical diagnostic laboratories/reputable databases classified this variant as benign/likely benign. Taken together, this variant is classified as benign.

Clinical Genetics DNA and cytogenetics Diagnostics Lab, Erasmus MC, Erasmus Medical Center
Classification: Likely benign for Breast-ovarian cancer, familial, susceptibility to, 2. Last evaluated: 2015-09-21. Review status: criteria provided, single submitter. Criteria: ACGS Guidelines, 2013. Collection method: clinical testing. Allele origin: germline. Affected: yes. Study: VKGL Data-share Consensus. Not counted in ClinVar's aggregate classification.

Color Diagnostics, LLC DBA Color Health
Classification: Likely benign for Hereditary cancer-predisposing syndrome. Last evaluated: 2014-12-16. Review status: criteria provided, single submitter. Criteria: ACMG Guidelines, 2015. Collection method: clinical testing. Allele origin: germline. Not counted in ClinVar's aggregate classification.

Ambry Genetics
Classification: Benign for Hereditary cancer-predisposing syndrome. Last evaluated: 2014-11-19. Review status: criteria provided, single submitter. Criteria: Ambry Variant Classification Scheme 2023. Collection method: clinical testing. Allele origin: germline. Not counted in ClinVar's aggregate classification.

Eurofins Ntd Llc (ga)
Classification: Benign. Last evaluated: 2014-11-04. Review status: criteria provided, single submitter. Criteria: EGL Classification Definitions 2015. Collection method: clinical testing. Allele origin: germline. Observed: 2 variant alleles, 2 heterozygotes. Not counted in ClinVar's aggregate classification.

True Health Diagnostics
Classification: Likely benign for Hereditary cancer-predisposing syndrome. Last evaluated: 2018-01-05. Review status: no assertion criteria provided. Collection method: clinical testing. Allele origin: germline. Not counted in ClinVar's aggregate classification.

NM_000059.4(BRCA2):c.1798T>C (p.Tyr600His)

Gene: BRCA2 (BRCA2 DNA repair associated; plus strand). Cytogenetic location: 13q13.1.
Variant type: single nucleotide variant.
Coding change: c.1798T>C on transcript NM_000059.4 (MANE Select); coding-DNA position 1798, T replaced by C.
Protein change: p.Tyr600His; replaces tyrosine 600 with histidine.
Molecular consequence: missense variant.
Genome position (GRCh38, 1-based): chr13:32,333,276, T>C. VCF-style: chr13-32333276-T-C. GRCh37 (hg19) VCF-style: chr13-32907413-T-C.
Other names: p.Y600H:TAT>CAT; short protein forms Y600H.
Identifiers: ClinVar variation 51197 (VCV000051197.65), dbSNP rs75419644, ClinGen allele CA013289.